The following is an entry in ClinVar:

NM_018486.3(HDAC8):c.1111+16C>T

Gene: HDAC8 (histone deacetylase 8; minus strand). Cytogenetic location: Xq13.1.
Variant type: single nucleotide variant.
Coding change: c.1111+16C>T on transcript NM_018486.3 (MANE Select); 16 bases into the intron after coding-DNA position 1111, C replaced by T.
Molecular consequence: intron variant.
Genome position (GRCh38, 1-based): chrX:72,351,717, G>A on the plus strand (C>T on the coding strand, the complement: HDAC8 is on the minus strand). VCF-style: chrX-72351717-G-A. GRCh37 (hg19) VCF-style: chrX-71571567-G-A.
Other names: c.838+16C>T (NM_001166418.2); c.1111+16C>T (NM_018486.2).
Identifiers: ClinVar variation 1633109 (VCV001633109.9), dbSNP rs1039038766, ClinGen allele CA331149678.

ClinVar aggregate classification (germline): Benign/Likely benign. Review status: criteria provided, multiple submitters, no conflicts (2 of 4 stars). 2 submissions from 2 submitters: Benign (1); Likely benign (1). Last evaluated 2026-01-13.

Conditions:
Cornelia de Lange syndrome 5 (CDLS5). Also called: HDAC8-Related Cornelia de Lange Syndrome. Identifiers: Orphanet 199, MedGen C3550903, MONDO:0010471, OMIM 300882.
HDAC8-related disorder. Also called: HDAC8-related condition.

Allele frequency attached by ClinVar (database versions not stated): gnomAD 0.00002; gnomAD exomes 0.00002 and 0.00006; TOPMed 0.00003.
gnomAD v4.1: 30 of 1,162,597 alleles (0.0026%); highest among the groups gnomAD compares: Admixed American, 0.02%; no homozygotes.

Submissions (2):

Labcorp Genetics (formerly Invitae), Labcorp
Classification: Benign for Cornelia de Lange syndrome 5. Last evaluated: 2026-01-13. Review status: criteria provided, single submitter. Criteria: Invitae Variant Classification Sherloc (09022015). Collection method: clinical testing. Allele origin: germline.

PreventionGenetics, part of Exact Sciences
Classification: Likely benign for HDAC8-related condition. Last evaluated: 2025-07-24. Review status: criteria provided, single submitter. Criteria: ACMG Guidelines, 2015. Collection method: clinical testing. Allele origin: germline.
Comment: This variant is classified as likely benign based on ACMG/AMP sequence variant interpretation guidelines (Richards et al. 2015 PMID: 25741868, with internal and published modifications).